The following is an entry in ClinVar:

NM_001084.5(PLOD3):c.1781G>A (p.Arg594Gln)

Gene: PLOD3 (procollagen-lysine,2-oxoglutarate 5-dioxygenase 3; minus strand). Cytogenetic location: 7q22.1.
Variant type: single nucleotide variant.
Coding change: c.1781G>A on transcript NM_001084.5 (MANE Select); coding-DNA position 1781, G replaced by A.
Protein change: p.Arg594Gln; replaces arginine 594 with glutamine.
Molecular consequence: missense variant.
Genome position (GRCh38, 1-based): chr7:101,208,860, C>T on the plus strand (G>A on the coding strand, the complement: PLOD3 is on the minus strand). VCF-style: chr7-101208860-C-T. GRCh37 (hg19) VCF-style: chr7-100852141-C-T.
Other names: c.1781G>A (NM_001084.4); short protein forms R594Q.
Identifiers: ClinVar variation 1482027 (VCV001482027.8), dbSNP rs745986631, ClinGen allele CA4407533.
Genomic context (GRCh38, chr7:101,208,860, plus strand): 5'-TCCTGCACCTCCTCCTCTGGGAAGGCCTCTGCCCTCCTCGCCCAGGCCCTTACCTCATGC[C>T]GGCCGCCTGACCACTGGCCGTAGTGCTCCATCTCTGCCACCAGCTCATCACACATTTGTT-3'
Protein context (NP_001075.1, residues 584-604): MEHYGQWSGG[Arg594Gln]HEDSRLAGGY

ClinVar aggregate classification (germline): Conflicting classifications of pathogenicity. Review status: criteria provided, conflicting classifications (1 of 4 stars). 3 submissions from 3 submitters: Uncertain significance (2); Likely benign (1). Last evaluated 2024-03-25.

Conditions:
Inborn genetic diseases. Identifiers: MedGen C0950123, MeSH D030342.

Allele frequency attached by ClinVar (database versions not stated): gnomAD exomes 0.00002 and 0.00004; ExAC 0.00003; gnomAD 0.00006.
gnomAD v4.1: 50 of 1,610,652 alleles (0.0031%); highest among the groups gnomAD compares: East Asian, 0.0022%; no homozygotes.

Submissions (3):

GeneDx
Classification: Uncertain significance. Last evaluated: 2024-03-25. Review status: criteria provided, single submitter. Criteria: GeneDx Variant Classification Process June 2021. Collection method: clinical testing. Allele origin: germline. Affected: yes.
Comment: In silico analysis supports that this missense variant does not alter protein structure/function; Has not been previously published as pathogenic or benign to our knowledge

Labcorp Genetics (formerly Invitae), Labcorp
Classification: Uncertain significance. Last evaluated: 2023-07-07. Review status: criteria provided, single submitter. Criteria: Invitae Variant Classification Sherloc (09022015). Collection method: clinical testing. Allele origin: germline.
Comment: This sequence change replaces arginine, which is basic and polar, with glutamine, which is neutral and polar, at codon 594 of the PLOD3 protein (p.Arg594Gln). This variant is present in population databases (rs745986631, gnomAD 0.06%). This variant has not been reported in the literature in individuals affected with PLOD3-related conditions. ClinVar contains an entry for this variant (Variation ID: 1482027). Advanced modeling of protein sequence and biophysical properties (such as structural, functional, and spatial information, amino acid conservation, physicochemical variation, residue mobility, and thermodynamic stability) performed at Invitae indicates that this missense variant is not expected to disrupt PLOD3 protein function. In summary, the available evidence is currently insufficient to determine the role of this variant in disease. Therefore, it has been classified as a Variant of Uncertain Significance.

Ambry Genetics
Classification: Likely benign for Inborn genetic diseases. Last evaluated: 2022-03-23. Review status: criteria provided, single submitter. Criteria: Ambry Variant Classification Scheme 2023. Collection method: clinical testing. Allele origin: germline.